The following is an entry in ClinVar:

ClinVar aggregate classification (germline): Uncertain significance (1 of 4 stars; one submission).

Allele frequency attached by ClinVar (database versions not stated): gnomAD exomes below 0.00001; ExAC 0.00001.
gnomAD v4.1: 2 of 1,614,006 alleles (0.00012%); highest among the groups gnomAD compares: Admixed American, 0.0033%; no homozygotes.

Submission:

Labcorp Genetics (formerly Invitae), Labcorp
Classification: Uncertain significance. Last evaluated: 2022-07-27. Review status: criteria provided, single submitter. Criteria: Invitae Variant Classification Sherloc (09022015). Collection method: clinical testing. Allele origin: germline.
Comment: This sequence change replaces serine, which is neutral and polar, with asparagine, which is neutral and polar, at codon 170 of the TUBGCP4 protein (p.Ser170Asn). This variant is present in population databases (rs765213274, gnomAD 0.006%). This variant has not been reported in the literature in individuals affected with TUBGCP4-related conditions. Algorithms developed to predict the effect of missense changes on protein structure and function (SIFT, PolyPhen-2, Align-GVGD) all suggest that this variant is likely to be tolerated. In summary, the available evidence is currently insufficient to determine the role of this variant in disease. Therefore, it has been classified as a Variant of Uncertain Significance.

NM_014444.5(TUBGCP4):c.509G>A (p.Ser170Asn)

Gene: TUBGCP4 (tubulin gamma complex component 4; plus strand). Cytogenetic location: 15q15.3.
Variant type: single nucleotide variant.
Coding change: c.509G>A on transcript NM_014444.5 (MANE Select); coding-DNA position 509, G replaced by A.
Protein change: p.Ser170Asn; replaces serine 170 with asparagine.
Molecular consequence: missense variant.
Genome position (GRCh38, 1-based): chr15:43,380,151, G>A. VCF-style: chr15-43380151-G-A. GRCh37 (hg19) VCF-style: chr15-43672349-G-A.
Other names: c.509G>A, p.Ser170Asn (NM_001286414.3); short protein forms S170N.
Identifiers: ClinVar variation 2002368 (VCV002002368.1), dbSNP rs765213274, ClinGen allele CA7523803.